The following is an entry in ClinVar:

ClinVar aggregate classification (germline): Uncertain significance. Review status: criteria provided, multiple submitters, no conflicts (2 of 4 stars). 4 submissions from 4 submitters: Uncertain significance (4). Last evaluated 2025-12-18.

Conditions:
Hereditary cancer-predisposing syndrome. Also called: Neoplastic Syndromes, Hereditary; Tumor predisposition; Hereditary Cancer Syndrome; Hereditary neoplastic syndrome. Identifiers: Orphanet 140162, MedGen C0027672, MeSH D009386, MONDO:0015356.
Microcephaly, normal intelligence and immunodeficiency (NBS). Also called: Nijmegen breakage syndrome; Microcephaly with normal intelligence immunodeficiency and lymphoreticular malignancies; Nonsyndromal microcephaly autosomal recessive with normal intelligence; Seemanova syndrome 2; Immunodeficiency, microcephaly with normal intelligence; Ataxia telangiectasia variant V1. Identifiers: Orphanet 647, MedGen C0398791, MONDO:0009623, OMIM 251260.

Submissions (4):

Myriad Genetics, Inc.
Classification: Uncertain significance for Microcephaly, normal intelligence and immunodeficiency. Last evaluated: 2025-12-18. Review status: criteria provided, single submitter. Criteria: Myriad Autosomal Dominant, Autosomal Recessive and X-Linked Classification Criteria (2023). Collection method: clinical testing. Allele origin: unknown.
Comment: NM_002485.4(NBN):c.794C>T(A265V) is a missense variant classified as a variant of uncertain significance in the context of Nijmegen breakage syndrome. A265V has not been observed in cases with relevant disease. Relevant functional assessments of this variant are not available in the literature. A265V has not been observed in referenced population frequency databases. In summary, there is insufficient evidence to classify NM_002485.4(NBN):c.794C>T(A265V) as pathogenic or benign. Please note: this variant was assessed in the context of healthy population screening.

Labcorp Genetics (formerly Invitae), Labcorp
Classification: Uncertain significance for Microcephaly, normal intelligence and immunodeficiency. Last evaluated: 2024-03-11. Review status: criteria provided, single submitter. Criteria: Invitae Variant Classification Sherloc (09022015). Collection method: clinical testing. Allele origin: germline.
Comment: This sequence change replaces alanine, which is neutral and non-polar, with valine, which is neutral and non-polar, at codon 265 of the NBN protein (p.Ala265Val). This variant is not present in population databases (gnomAD no frequency). This variant has not been reported in the literature in individuals affected with NBN-related conditions. ClinVar contains an entry for this variant (Variation ID: 220473). Algorithms developed to predict the effect of missense changes on protein structure and function output the following: SIFT: "Not Available"; PolyPhen-2: "Benign"; Align-GVGD: "Not Available". The valine amino acid residue is found in multiple mammalian species, which suggests that this missense change does not adversely affect protein function. In summary, the available evidence is currently insufficient to determine the role of this variant in disease. Therefore, it has been classified as a Variant of Uncertain Significance.

Ambry Genetics
Classification: Uncertain significance for Hereditary cancer-predisposing syndrome. Last evaluated: 2023-12-18. Review status: criteria provided, single submitter. Criteria: Ambry Variant Classification Scheme 2023. Collection method: clinical testing. Allele origin: germline.
Comment: The p.A265V variant (also known as c.794C>T), located in coding exon 7 of the NBN gene, results from a C to T substitution at nucleotide position 794. The alanine at codon 265 is replaced by valine, an amino acid with similar properties. This amino acid position is not well conserved in available vertebrate species. In addition, this alteration is predicted to be tolerated by in silico analysis. Since supporting evidence is limited at this time, the clinical significance of this alteration remains unclear.

Quest Diagnostics Nichols Institute San Juan Capistrano
Classification: Uncertain significance. Last evaluated: 2023-09-07. Review status: criteria provided, single submitter. Criteria: Quest Diagnostics criteria. Collection method: clinical testing. Allele origin: unknown.
Comment: This variant has not been reported in the published literature. It also has not been reported in large, multi-ethnic general populations (Genome Aggregation Database). Analysis of this variant using bioinformatics tools for the prediction of the effect of amino acid changes on protein structure and function yielded conflicting predictions that this variant is benign or damaging. Based on the available information, we are unable to determine the clinical significance of this variant.

NM_002485.5(NBN):c.794C>T (p.Ala265Val)

Gene: NBN (nibrin; minus strand). Cytogenetic location: 8q21.3.
Variant type: single nucleotide variant.
Coding change: c.794C>T on transcript NM_002485.5 (MANE Select); coding-DNA position 794, C replaced by T.
Protein change: p.Ala265Val; replaces alanine 265 with valine.
Molecular consequence: missense variant.
Genome position (GRCh38, 1-based): chr8:89,970,466, G>A on the plus strand (C>T on the coding strand, the complement: NBN is on the minus strand). VCF-style: chr8-89970466-G-A. GRCh37 (hg19) VCF-style: chr8-90982694-G-A.
Other names: c.548C>T, p.Ala183Val (NM_001024688.3); short protein forms A265V, A183V.
Identifiers: ClinVar variation 220473 (VCV000220473.11), dbSNP rs61612852, ClinGen allele CA348590.